The following is an entry in ClinVar:

ClinVar aggregate classification (germline): Uncertain significance. Review status: criteria provided, multiple submitters, no conflicts (2 of 4 stars). 3 submissions from 3 submitters: Uncertain significance (3). Last evaluated 2025-12-16.

Conditions:
DICER1-related tumor predisposition. Also called: DICER1-related pleuropulmonary blastoma cancer predisposition syndrome; DICER1 syndrome. Identifiers: Orphanet 284343, MedGen C3839822, MONDO:0100216.
Hereditary cancer-predisposing syndrome. Also called: Tumor predisposition; Hereditary neoplastic syndrome; Hereditary Cancer Syndrome; Neoplastic Syndromes, Hereditary. Identifiers: Orphanet 140162, MedGen C0027672, MeSH D009386, MONDO:0015356.

Allele frequency attached by ClinVar (database versions not stated): TOPMed below 0.00001.

Submissions (3):

Ambry Genetics
Classification: Uncertain significance for Hereditary cancer-predisposing syndrome. Last evaluated: 2025-12-16. Review status: criteria provided, single submitter. Criteria: Ambry Variant Classification Scheme 2023. Collection method: clinical testing. Allele origin: germline.
Comment: The p.Q48E variant (also known as c.142C>G), located in coding exon 1 of the DICER1 gene, results from a C to G substitution at nucleotide position 142. The glutamine at codon 48 is replaced by glutamic acid, an amino acid with highly similar properties. This amino acid position is highly conserved in available vertebrate species. In addition, this alteration is predicted to be deleterious by in silico analysis. Based on the available evidence, the clinical significance of this variant remains unclear.

Labcorp Genetics (formerly Invitae), Labcorp
Classification: Uncertain significance for DICER1-related tumor predisposition. Last evaluated: 2024-02-11. Review status: criteria provided, single submitter. Criteria: Invitae Variant Classification Sherloc (09022015). Collection method: clinical testing. Allele origin: germline.
Comment: This sequence change replaces glutamine, which is neutral and polar, with glutamic acid, which is acidic and polar, at codon 48 of the DICER1 protein (p.Gln48Glu). This variant is not present in population databases (gnomAD no frequency). This variant has not been reported in the literature in individuals affected with DICER1-related conditions. ClinVar contains an entry for this variant (Variation ID: 932995). An algorithm developed to predict the effect of missense changes on protein structure and function (PolyPhen-2) suggests that this variant is likely to be disruptive. In summary, the available evidence is currently insufficient to determine the role of this variant in disease. Therefore, it has been classified as a Variant of Uncertain Significance.

Foulkes Cancer Genetics LDI, Lady Davis Institute for Medical Research
Classification: Uncertain significance for Pleuropulmonary blastoma. Last evaluated: 2019-07-01. Review status: criteria provided, single submitter. Criteria: ACMG Guidelines, 2015. Collection method: curation. Allele origin: unknown. Affected: yes. Observed: 1 variant allele.
Comment: ACMG criteria met: PM1, PM2, PP3, BP1

Literature cited by the submitters: PubMed 24909261 (cited by Foulkes Cancer Genetics LDI, Lady Davis Institute for Medical Research).

NM_177438.3(DICER1):c.142C>G (p.Gln48Glu)

Gene: DICER1 (dicer 1, ribonuclease III; minus strand). Cytogenetic location: 14q32.13.
Variant type: single nucleotide variant.
Coding change: c.142C>G on transcript NM_177438.3 (MANE Select); coding-DNA position 142, C replaced by G.
Protein change: p.Gln48Glu; replaces glutamine 48 with glutamic acid.
Molecular consequence: missense variant.
Genome position (GRCh38, 1-based): chr14:95,133,317, G>C on the plus strand (C>G on the coding strand, the complement: DICER1 is on the minus strand). VCF-style: chr14-95133317-G-C. GRCh37 (hg19) VCF-style: chr14-95599654-G-C.
Other names: c.142C>G, p.Gln48Glu (NM_001195573.1, NM_001271282.3, NM_001291628.2 and 1 more transcripts); short protein forms Q48E.
Identifiers: ClinVar variation 932995 (VCV000932995.6), dbSNP rs1894113719, ClinGen allele CA390890326.